The following is an entry in ClinVar:

ClinVar aggregate classification (germline): Benign (1 of 4 stars; one submission).

Allele frequency attached by ClinVar (database versions not stated): gnomAD 0.02255 and 0.02434; 1000 Genomes Project 0.02476; TOPMed 0.02520; 1000 Genomes Project 30x 0.02686.
gnomAD v4.1: 4,782 of 629,128 alleles (0.76%); highest among the groups gnomAD compares: African/African-American, 7.5%; 184 homozygotes.

Submission:

GeneDx
Classification: Benign. Last evaluated: 2018-06-18. Review status: criteria provided, single submitter. Criteria: GeneDx Variant Classification (06012015). Collection method: clinical testing. Allele origin: germline. Affected: yes.
Comment: This variant is considered likely benign or benign based on one or more of the following criteria: it is a conservative change, it occurs at a poorly conserved position in the protein, it is predicted to be benign by multiple in silico algorithms, and/or has population frequency not consistent with disease.

NM_006440.5(TXNRD2):c.950-214G>A

Gene: TXNRD2 (thioredoxin reductase 2; minus strand). Cytogenetic location: 22q11.21.
Variant type: single nucleotide variant.
Coding change: c.950-214G>A on transcript NM_006440.5 (MANE Select); 214 bases into the intron before coding-DNA position 950, G replaced by A.
Molecular consequence: intron variant.
Genome position (GRCh38, 1-based): chr22:19,883,675, C>T on the plus strand (G>A on the coding strand, the complement: TXNRD2 is on the minus strand). VCF-style: chr22-19883675-C-T. GRCh37 (hg19) VCF-style: chr22-19871198-C-T.
Other names: c.947-214G>A (NM_001352300.2); c.662-214G>A (NM_001352302.2); c.860-214G>A (NM_001352301.2).
Identifiers: ClinVar variation 678668 (VCV000678668.1), dbSNP rs114054391, ClinGen allele CA322093923.